The following is an entry in ClinVar:

NM_000489.6(ATRX):c.2406A>G (p.Ile802Met)

Gene: ATRX (ATRX chromatin remodeler; minus strand). Cytogenetic location: Xq21.1.
Variant type: single nucleotide variant.
Coding change: c.2406A>G on transcript NM_000489.6 (MANE Select); coding-DNA position 2406, A replaced by G.
Protein change: p.Ile802Met; replaces isoleucine 802 with methionine.
Molecular consequence: missense variant.
Genome position (GRCh38, 1-based): chrX:77,682,850, T>C on the plus strand (A>G on the coding strand, the complement: ATRX is on the minus strand). VCF-style: chrX-77682850-T-C. GRCh37 (hg19) VCF-style: chrX-76938342-T-C.
Other names: c.2292A>G, p.Ile764Met (NM_138270.5); short protein forms I764M, I802M.
Identifiers: ClinVar variation 4530003 (VCV004530003.1).

ClinVar aggregate classification (germline): Uncertain significance (1 of 4 stars; one submission).

Submission:

GeneDx
Classification: Uncertain significance. Last evaluated: 2025-05-16. Review status: criteria provided, single submitter. Criteria: GeneDx Variant Classification Process June 2021. Collection method: clinical testing. Allele origin: germline. Affected: yes.
Comment: Not observed at significant frequency in large population cohorts (gnomAD); In silico analysis suggests that this missense variant does not alter protein structure/function; Has not been previously published as pathogenic or benign to our knowledge